The following is an entry in ClinVar:

NM_005157.6(ABL1):c.808G>T (p.Val270Leu)

Gene: ABL1 (ABL proto-oncogene 1, non-receptor tyrosine kinase; plus strand). Cytogenetic location: 9q34.12.
Variant type: single nucleotide variant.
Coding change: c.808G>T on transcript NM_005157.6 (MANE Select); coding-DNA position 808, G replaced by T.
Protein change: p.Val270Leu; replaces valine 270 with leucine.
Molecular consequence: missense variant.
Genome position (GRCh38, 1-based): chr9:130,863,021, G>T. VCF-style: chr9-130863021-G-T. GRCh37 (hg19) VCF-style: chr9-133738408-G-T.
Other names: c.865G>T, p.Val289Leu (NM_007313.3); short protein forms V270L, V289L.
Identifiers: ClinVar variation 133451 (VCV000133451.1), dbSNP rs587778017, ClinGen allele CA156563.
Genomic context (GRCh38, chr9:130,863,021, plus strand): 5'-GGGGGCCAGTACGGGGAGGTGTACGAGGGCGTGTGGAAGAAATACAGCCTGACGGTGGCC[G>T]TGAAGACCTTGAAGGTAGGCTGGGACTGCCGGGGGTGCCCAGGGTACGTGGGGCAAGGCG-3'
Protein context (NP_005148.2, residues 260-280): VWKKYSLTVA[Val270Leu]KTLKEDTMEV

ClinVar aggregate classification (germline): not provided (0 of 4 stars; one submission).

Allele frequency attached by ClinVar (database versions not stated): gnomAD 0.00001.

Submission:

ITMI
No classification provided. Condition: AllHighlyPenetrant. Last evaluated: 2013-09-19. Review status: no classification provided. Collection method: reference population. Allele origin: germline.
Comment: Please see associated publication for description of ethnicities

Literature cited by the submitters: PubMed 24728327.